The following is an entry in ClinVar:

NM_017799.4(TMEM260):c.-2C>T

Genes: TMEM260 (transmembrane protein 260; plus strand), LOC130055718 (ATAC-STARR-seq lymphoblastoid silent region 5790; plus strand). Cytogenetic location: 14q22.3.
Variant type: single nucleotide variant.
Coding change: c.-2C>T on transcript NM_017799.4 (MANE Select); 2 bases upstream of the start codon, C replaced by T.
Molecular consequence: 5 prime UTR variant.
Genome position (GRCh38, 1-based): chr14:56,579,913, C>T. VCF-style: chr14-56579913-C-T. GRCh37 (hg19) VCF-style: chr14-57046631-C-T.
Identifiers: ClinVar variation 3373089 (VCV003373089.1).

ClinVar aggregate classification (germline): Uncertain significance (1 of 4 stars; one submission).

gnomAD v4.1: 4 of 1,233,566 alleles (0.00032%); highest among the groups gnomAD compares: East Asian, 0.0095%; no homozygotes.

Submission:

GeneDx
Classification: Uncertain significance. Last evaluated: 2024-04-29. Review status: criteria provided, single submitter. Criteria: GeneDx Variant Classification Process June 2021. Collection method: clinical testing. Allele origin: germline. Affected: yes.
Comment: Not observed at significant frequency in large population cohorts (gnomAD); Nucleotide is not conserved across species and the substitution has no predicted effect on splicing; Has not been previously published as pathogenic or benign to our knowledge; Alters the Kozak sequence, which plays a major role in the initiation of translation